The following is an entry in ClinVar:

ClinVar aggregate classification (germline): Likely benign. Review status: criteria provided, multiple submitters, no conflicts (2 of 4 stars). 3 submissions from 3 submitters: Likely benign (3). Last evaluated 2026-05-04.

Conditions:
PROM1-related disorder. Also called: PROM1-related disorders; PROM1-related condition.

Allele frequency attached by ClinVar (database versions not stated): ExAC 0.00003; gnomAD 0.00001; TOPMed 0.00001; gnomAD exomes 0.00002.
gnomAD v4.1: 31 of 1,608,174 alleles (0.0019%); highest among the groups gnomAD compares: Non-Finnish European, 0.0026%; no homozygotes.

Submissions (3):

PreventionGenetics, part of Exact Sciences
Classification: Likely benign for PROM1-related condition. Last evaluated: 2026-05-04. Review status: criteria provided, single submitter. Criteria: ACMG Guidelines, 2015. Collection method: clinical testing. Allele origin: germline.
Comment: This variant is classified as likely benign based on ACMG/AMP sequence variant interpretation guidelines (Richards et al. 2015 PMID: 25741868, with internal and published modifications).

Labcorp Genetics (formerly Invitae), Labcorp
Classification: Likely benign. Last evaluated: 2025-12-17. Review status: criteria provided, single submitter. Criteria: Invitae Variant Classification Sherloc (09022015). Collection method: clinical testing. Allele origin: germline.

Blueprint Genetics
Classification: Likely benign. Last evaluated: 2024-06-12. Review status: criteria provided, single submitter. Criteria: ACMG Guidelines, 2015. Collection method: clinical testing. Allele origin: germline.

NM_006017.3(PROM1):c.220+7G>A

Gene: PROM1 (prominin 1; minus strand). Cytogenetic location: 4p15.32.
Variant type: single nucleotide variant.
Coding change: c.220+7G>A on transcript NM_006017.3 (MANE Select); 7 bases into the intron after coding-DNA position 220, G replaced by A.
Molecular consequence: intron variant.
Genome position (GRCh38, 1-based): chr4:16,075,680, C>T on the plus strand (G>A on the coding strand, the complement: PROM1 is on the minus strand). VCF-style: chr4-16075680-C-T. GRCh37 (hg19) VCF-style: chr4-16077303-C-T.
Other names: c.220+7G>A (NM_001145848.2, NM_001145852.2, NM_001145847.2 and 7 more transcripts).
Identifiers: ClinVar variation 1626874 (VCV001626874.10), dbSNP rs768718033, ClinGen allele CA2867163.